The following is an entry in ClinVar:

NM_022786.3(ARV1):c.64A>T (p.Thr22Ser)

Genes: ARV1 (ARV1 fatty acid homeostasis modulator; plus strand), LOC129932761 (ATAC-STARR-seq lymphoblastoid active region 2721; plus strand). Cytogenetic location: 1q42.2.
Variant type: single nucleotide variant.
Coding change: c.64A>T on transcript NM_022786.3 (MANE Select); coding-DNA position 64, A replaced by T.
Protein change: p.Thr22Ser; replaces threonine 22 with serine.
Molecular consequence: missense variant. On other transcripts: non-coding transcript variant (1).
Genome position (GRCh38, 1-based): chr1:230,979,169, A>T. VCF-style: chr1-230979169-A-T. GRCh37 (hg19) VCF-style: chr1-231114915-A-T.
Other names: c.64A>T, p.Thr22Ser (NM_001346992.2); short protein forms T22S.
Identifiers: ClinVar variation 777986 (VCV000777986.51), dbSNP rs143532693, ClinGen allele CA1450363.
Genomic context (GRCh38, chr1:230,979,169, plus strand): 5'-GGCAACGGCGGGCGGAGCGGCCTGCAGCAGGGGAAGGGGAACGTGGATGGGGTGGCAGCG[A>T]CTCCTACTGCTGCCTCGGCCTCCTGCCAGTACAGGTGCATCGAATGCAACCAGGAGGCCA-3'
Protein context (NP_073623.1, residues 12-32): GKGNVDGVAA[Thr22Ser]PTAASASCQY

ClinVar aggregate classification (germline): Benign/Likely benign. Review status: criteria provided, multiple submitters, no conflicts (2 of 4 stars). 7 submissions from 7 submitters: Benign (1); Likely benign (3). 3 of the submissions do not count toward it. Last evaluated 2026-07-01.

Conditions:
ARV1-related disorder. Also called: ARV1-related condition. Identifiers: MedGen CN235539.

Allele frequency attached by ClinVar (database versions not stated): 1000 Genomes Project 30x 0.00047; 1000 Genomes Project 0.00060; ESP Exome Variant Server 0.00154; TOPMed 0.00163; ExAC 0.00186; gnomAD 0.00190 and 0.00197; gnomAD exomes 0.00203 and 0.00280.
gnomAD v4.1: 4,409 of 1,611,858 alleles (0.27%); highest among the groups gnomAD compares: South Asian, 0.32%; 8 homozygotes.

Submissions (7):

CeGaT Center for Human Genetics Tuebingen
Classification: Likely benign. Last evaluated: 2026-07-01. Review status: criteria provided, single submitter. Criteria: CeGaT Center For Human Genetics Tuebingen Variant Classification Criteria Version 2. Collection method: clinical testing. Allele origin: germline. Affected: yes. Observed: 16 variant alleles.
Comment: ARV1: BP4

Blueprint Genetics
Classification: Likely benign. Last evaluated: 2024-11-26. Review status: criteria provided, single submitter. Criteria: ACMG Guidelines, 2015. Collection method: clinical testing. Allele origin: germline.

Genetic Services Laboratory, University of Chicago
Classification: Likely benign. Last evaluated: 2020-10-12. Review status: criteria provided, single submitter. Criteria: ACMG Guidelines, 2015. Collection method: clinical testing. Allele origin: germline. Affected: no.

Labcorp Genetics (formerly Invitae), Labcorp
Classification: Benign. Last evaluated: 2019-12-31. Review status: criteria provided, single submitter. Criteria: Invitae Variant Classification Sherloc (09022015). Collection method: clinical testing. Allele origin: germline.

PreventionGenetics, part of Exact Sciences
Classification: Likely benign for ARV1-related condition. Last evaluated: 2020-04-24. Review status: no assertion criteria provided. Collection method: clinical testing. Allele origin: germline. Not counted in ClinVar's aggregate classification.
Comment: This variant is classified as likely benign based on ACMG/AMP sequence variant interpretation guidelines (Richards et al. 2015 PMID: 25741868, with internal and published modifications).

Clinical Genetics DNA and cytogenetics Diagnostics Lab, Erasmus MC, Erasmus Medical Center
Classification: Likely benign. Review status: no assertion criteria provided. Collection method: clinical testing. Allele origin: germline. Affected: yes. Study: VKGL Data-share Consensus. Not counted in ClinVar's aggregate classification.

Genome Diagnostics Laboratory, University Medical Center Utrecht
Classification: Likely benign. Review status: no assertion criteria provided. Collection method: clinical testing. Allele origin: germline. Affected: yes. Study: VKGL Data-share Consensus. Not counted in ClinVar's aggregate classification.